The following is an entry in ClinVar:

NM_001042492.3(NF1):c.2563A>T (p.Arg855Ter)

Gene: NF1 (neurofibromin 1; plus strand). Cytogenetic location: 17q11.2.
Variant type: single nucleotide variant.
Coding change: c.2563A>T on transcript NM_001042492.3 (MANE Select); coding-DNA position 2563, A replaced by T.
Protein change: p.Arg855Ter; replaces arginine 855 with a stop codon.
Molecular consequence: nonsense.
Genome position (GRCh38, 1-based): chr17:31,229,178, A>T. VCF-style: chr17-31229178-A-T. GRCh37 (hg19) VCF-style: chr17-29556196-A-T.
Other names: c.2563A>T, p.Arg855Ter (NM_000267.4); short protein forms R855*.
Identifiers: ClinVar variation 1460003 (VCV001460003.9), dbSNP rs2151429138, ClinGen allele CA398984311.
Genomic context (GRCh38, chr17:31,229,178, plus strand): 5'-CAGGAATGGATCAACATGACTGGCTTCCTTTGTGCCCTTGGGGGAGTGTGCCTCCAGCAG[A>T]GAAGCAATTCTGGCCTGGCAACCTATAGCCCACCCATGGGTCCAGTCAGTGAACGTAAGG-3'

ClinVar aggregate classification (germline): Pathogenic. Review status: criteria provided, multiple submitters, no conflicts (2 of 4 stars). 2 submissions from 2 submitters: Pathogenic (2). Last evaluated 2021-07-06.

Conditions:
Neurofibromatosis, type 1 (NF1). Also called: NEUROFIBROMATOSIS, TYPE I, SOMATIC; Neurofibromatosis, type I; VON RECKLINGHAUSEN DISEASE; Peripheral type neurofibromatosis. Identifiers: Orphanet 636, MedGen C0027831, MONDO:0018975, OMIM 162200. Disease mechanism: loss of function.
NF1-related disorder. Also called: NF1-related condition. Identifiers: MedGen CN379171.

Submissions (2):

Blueprint Genetics
Classification: Pathogenic for NF1-related disorders. Last evaluated: 2021-07-06. Review status: criteria provided, single submitter. Criteria: ACMG Guidelines, 2015. Collection method: clinical testing. Allele origin: germline. Affected: yes. Observed: 1 variant allele.

Labcorp Genetics (formerly Invitae), Labcorp
Classification: Pathogenic for Neurofibromatosis, type 1. Last evaluated: 2020-10-29. Review status: criteria provided, single submitter. Criteria: Invitae Variant Classification Sherloc (09022015). Collection method: clinical testing. Allele origin: germline.
Comment: For these reasons, this variant has been classified as Pathogenic. This variant has been observed in individual(s) with clinical features of neurofibromatosis type 1 (PMID: 23913538). This variant is not present in population databases (ExAC no frequency). This sequence change creates a premature translational stop signal (p.Arg855*) in the NF1 gene. It is expected to result in an absent or disrupted protein product. Loss-of-function variants in NF1 are known to be pathogenic (PMID: 10712197, 23913538).

Literature cited by the submitters: PubMed 23913538 (cited by Labcorp Genetics (formerly Invitae), Labcorp); PubMed 10712197 (cited by Labcorp Genetics (formerly Invitae), Labcorp).